The following is an entry in ClinVar:

ClinVar aggregate classification (germline): Uncertain significance. Review status: criteria provided, multiple submitters, no conflicts (2 of 4 stars). 7 submissions from 4 submitters: Uncertain significance (7). Last evaluated 2024-08-21.

Conditions:
Congenital myopathy 18. Also called: Myopathy, congenital, due to dihydropyridine receptor defect; DIHYDROPYRIDINE RECEPTOR CONGENITAL MYOPATHY; DHPR CONGENITAL MYOPATHY. Identifiers: MedGen C5830283, MONDO:0859514, OMIM 620246.
Malignant hyperthermia, susceptibility to, 5 (MHS5). Also called: CACNA1S-Related Malignant Hyperthermia Susceptibility. Identifiers: Orphanet 423, MedGen C1866077, MONDO:0011163, OMIM 601887.
Hypokalemic periodic paralysis, type 1. Also called: Hypokalemic Periodic Paralysis Type 1 (AD); HypoPP. Identifiers: Orphanet 681, MedGen C3714580, MONDO:0042979, OMIM 170400.
Thyrotoxic periodic paralysis, susceptibility to, 1 (TTPP1). Identifiers: Orphanet 79102, MedGen C2749982, MONDO:0008570, OMIM 188580.

Allele frequency attached by ClinVar (database versions not stated): gnomAD exomes below 0.00001.
gnomAD v4.1: 2 of 1,613,406 alleles (0.00012%); highest among the groups gnomAD compares: African/African-American, 0.0027%; no homozygotes.

Submissions (7):

Labcorp Genetics (formerly Invitae), Labcorp
Classification: Uncertain significance for Hypokalemic periodic paralysis, type 1; Malignant hyperthermia, susceptibility to, 5. Last evaluated: 2024-08-21. Review status: criteria provided, single submitter. Criteria: Invitae Variant Classification Sherloc (09022015). Collection method: clinical testing. Allele origin: germline.
Comment: This sequence change replaces valine, which is neutral and non-polar, with phenylalanine, which is neutral and non-polar, at codon 375 of the CACNA1S protein (p.Val375Phe). This variant is present in population databases (no rsID available, gnomAD 0.002%). This variant has not been reported in the literature in individuals affected with CACNA1S-related conditions. ClinVar contains an entry for this variant (Variation ID: 1431416). Invitae Evidence Modeling of protein sequence and biophysical properties (such as structural, functional, and spatial information, amino acid conservation, physicochemical variation, residue mobility, and thermodynamic stability) indicates that this missense variant is not expected to disrupt CACNA1S protein function with a negative predictive value of 80%. In summary, the available evidence is currently insufficient to determine the role of this variant in disease. Therefore, it has been classified as a Variant of Uncertain Significance.

All of Us Research Program, National Institutes of Health
Classification: Uncertain significance for Malignant hyperthermia, susceptibility to, 5. Last evaluated: 2023-08-28. Review status: criteria provided, single submitter. Criteria: ACMG Guidelines, 2015. Collection method: clinical testing. Allele origin: germline. Inheritance: Autosomal dominant inheritance. Observed: 2 variant alleles, 2 heterozygotes.
Comment: This missense variant replaces valine with phenylalanine at codon 375 of the CACNA1S protein. Computational prediction suggests that this variant may have deleterious impact on protein structure and function (internally defined REVEL score threshold >= 0.7, PMID: 27666373). To our knowledge, functional studies have not been reported for this variant. This variant has not been reported in individuals affected with CACNA1S-related disorders in the literature. This variant has been identified in 2/282802 chromosomes in the general population by the Genome Aggregation Database (gnomAD). The available evidence is insufficient to determine the role of this variant in disease conclusively. Therefore, this variant is classified as a Variant of Uncertain Significance.

This study involves interpretation of variants in research participants for the purpose of population health screening. Participant phenotype was not available at the time of variant classification. Additional details can be found in publication PMID: 35346344, PMCID: PMC8962531

Genome-Nilou Lab
Classification: Uncertain significance for Malignant hyperthermia, susceptibility to, 5. Last evaluated: 2023-04-11. Review status: criteria provided, single submitter. Criteria: ACMG Guidelines, 2015. Collection method: clinical testing. Allele origin: germline. Affected: no.

Genome-Nilou Lab
Classification: Uncertain significance for Thyrotoxic periodic paralysis, susceptibility to, 1. Last evaluated: 2023-04-11. Review status: criteria provided, single submitter. Criteria: ACMG Guidelines, 2015. Collection method: clinical testing. Allele origin: germline. Affected: no.

Genome-Nilou Lab
Classification: Uncertain significance for Congenital myopathy 18. Last evaluated: 2023-04-11. Review status: criteria provided, single submitter. Criteria: ACMG Guidelines, 2015. Collection method: clinical testing. Allele origin: germline. Affected: no.

Genome-Nilou Lab
Classification: Uncertain significance for Hypokalemic periodic paralysis, type 1. Last evaluated: 2023-04-11. Review status: criteria provided, single submitter. Criteria: ACMG Guidelines, 2015. Collection method: clinical testing. Allele origin: germline. Affected: no.

Fulgent Genetics
Classification: Uncertain significance for Hypokalemic periodic paralysis, type 1; Thyrotoxic periodic paralysis, susceptibility to, 1; Malignant hyperthermia, susceptibility to, 5. Last evaluated: 2021-10-25. Review status: criteria provided, single submitter. Criteria: ACMG Guidelines, 2015. Collection method: clinical testing. Allele origin: unknown.

NM_000069.3(CACNA1S):c.1123G>T (p.Val375Phe)

Gene: CACNA1S (calcium voltage-gated channel subunit alpha1 S; minus strand). Cytogenetic location: 1q32.1.
Variant type: single nucleotide variant.
Coding change: c.1123G>T on transcript NM_000069.3 (MANE Select); coding-DNA position 1123, G replaced by T.
Protein change: p.Val375Phe; replaces valine 375 with phenylalanine.
Molecular consequence: missense variant.
Genome position (GRCh38, 1-based): chr1:201,085,463, C>A on the plus strand (G>T on the coding strand, the complement: CACNA1S is on the minus strand). VCF-style: chr1-201085463-C-A. GRCh37 (hg19) VCF-style: chr1-201054591-C-A.
Other names: c.1123G>T (NM_000069.2); short protein forms V375F.
Identifiers: ClinVar variation 1431416 (VCV001431416.12), dbSNP rs1174671318, ClinGen allele CA344128927.